The following is an entry in ClinVar:

ClinVar aggregate classification (germline): Uncertain significance (1 of 4 stars; one submission).

Submission:

GeneDx
Classification: Uncertain significance. Last evaluated: 2023-06-15. Review status: criteria provided, single submitter. Criteria: GeneDx Variant Classification Process June 2021. Collection method: clinical testing. Allele origin: germline. Affected: yes.
Comment: Not observed at significant frequency in large population cohorts (gnomAD); In silico analysis supports that this missense variant has a deleterious effect on protein structure/function; Has not been previously published as pathogenic or benign to our knowledge; Variants in candidate genes are classified as variants of uncertain significance in accordance with ACMG guidelines (Richards et al., 2015)

NM_012401.4(PLXNB2):c.5356A>C (p.Asn1786His)

Gene: PLXNB2 (plexin B2; minus strand). Cytogenetic location: 22q13.33.
Variant type: single nucleotide variant.
Coding change: c.5356A>C on transcript NM_012401.4 (MANE Select); coding-DNA position 5356, A replaced by C.
Protein change: p.Asn1786His; replaces asparagine 1786 with histidine.
Molecular consequence: missense variant.
Genome position (GRCh38, 1-based): chr22:50,275,945, T>G on the plus strand (A>C on the coding strand, the complement: PLXNB2 is on the minus strand). VCF-style: chr22-50275945-T-G. GRCh37 (hg19) VCF-style: chr22-50714374-T-G.
Other names: c.5593A>C, p.Asn1865His (NM_001376864.1); c.5425A>C, p.Asn1809His (NM_001376865.1); c.5356A>C, p.Asn1786His (NM_001376866.1, NM_001376867.1, NM_001376868.1 and 14 more transcripts); c.5332A>C, p.Asn1778His (NM_001376883.1); c.5278A>C, p.Asn1760His (NM_001376884.1, NM_001376885.1); c.5263A>C, p.Asn1755His (NM_001376886.1); short protein forms N1755H, N1760H, N1778H, N1786H, N1809H, N1865H.
Identifiers: ClinVar variation 4278614 (VCV004278614.1).